The following is an entry in ClinVar:

NM_014795.4(ZEB2):c.2808C>T (p.Ala936=)

Gene: ZEB2 (zinc finger E-box binding homeobox 2; minus strand). Cytogenetic location: 2q22.3.
Variant type: single nucleotide variant.
Coding change: c.2808C>T on transcript NM_014795.4 (MANE Select); coding-DNA position 2808, C replaced by T.
Protein change: p.Ala936=; no amino-acid change (alanine 936 retained).
Molecular consequence: synonymous variant.
Genome position (GRCh38, 1-based): chr2:144,398,379, G>A on the plus strand (C>T on the coding strand, the complement: ZEB2 is on the minus strand). VCF-style: chr2-144398379-G-A. GRCh37 (hg19) VCF-style: chr2-145155946-G-A.
Other names: c.2736C>T, p.Ala912= (NM_001171653.2).
Identifiers: ClinVar variation 697223 (VCV000697223.9), dbSNP rs749708858, ClinGen allele CA429445036.

ClinVar aggregate classification (germline): Conflicting classifications of pathogenicity. Review status: criteria provided, conflicting classifications (1 of 4 stars). 2 submissions from 2 submitters: Uncertain significance (1); Likely benign (1). Last evaluated 2024-02-20.

Conditions:
Mowat-Wilson syndrome (MOWS). Also called: Classic Mowat-Wilson Syndrome. Identifiers: Orphanet 2152, MedGen C1856113, MONDO:0009341, OMIM 235730.

gnomAD v4.1: 1 of 1,614,072 alleles (0.000062%); highest among the groups gnomAD compares: Admixed American, 0.0017%; no homozygotes.

Submissions (2):

Labcorp Genetics (formerly Invitae), Labcorp
Classification: Likely benign for Mowat-Wilson syndrome. Last evaluated: 2024-02-20. Review status: criteria provided, single submitter. Criteria: Invitae Variant Classification Sherloc (09022015). Collection method: clinical testing. Allele origin: germline.

GeneDx
Classification: Uncertain significance. Last evaluated: 2022-12-13. Review status: criteria provided, single submitter. Criteria: GeneDx Variant Classification Process June 2021. Collection method: clinical testing. Allele origin: germline. Affected: yes.
Comment: In silico analysis supports that this variant does not alter splicing; Has not been previously published as pathogenic or benign to our knowledge